The following is an entry in ClinVar:

NM_001009944.3(PKD1):c.8707G>A (p.Ala2903Thr)

Gene: PKD1 (polycystin 1, transient receptor potential channel interacting; minus strand). Cytogenetic location: 16p13.3.
Variant type: single nucleotide variant.
Coding change: c.8707G>A on transcript NM_001009944.3 (MANE Select); coding-DNA position 8707, G replaced by A.
Protein change: p.Ala2903Thr; replaces alanine 2903 with threonine.
Molecular consequence: missense variant.
Genome position (GRCh38, 1-based): chr16:2,103,350, C>T on the plus strand (G>A on the coding strand, the complement: PKD1 is on the minus strand). VCF-style: chr16-2103350-C-T. GRCh37 (hg19) VCF-style: chr16-2153351-C-T.
Other names: c.8707G>A, p.Ala2903Thr (NM_000296.4); short protein forms A2903T.
Identifiers: ClinVar variation 3363290 (VCV003363290.1).

ClinVar aggregate classification (germline): Uncertain significance (1 of 4 stars; one submission).

gnomAD v4.1: 3 of 1,605,216 alleles (0.00019%); highest among the groups gnomAD compares: Non-Finnish European, 0.00017%; no homozygotes.

Submission:

GeneDx
Classification: Uncertain significance. Last evaluated: 2023-10-26. Review status: criteria provided, single submitter. Criteria: GeneDx Variant Classification Process June 2021. Collection method: clinical testing. Allele origin: germline. Affected: yes.
Comment: Not observed at significant frequency in large population cohorts (gnomAD); In silico analysis supports that this missense variant does not alter protein structure/function; Has not been previously published as pathogenic or benign to our knowledge